The following is an entry in ClinVar:

NM_001127208.3(TET2):c.146A>T (p.Asn49Ile)

Genes: TET2 (tet methylcytosine dioxygenase 2; plus strand), TET2-AS1 (TET2 antisense RNA 1; minus strand). Cytogenetic location: 4q24.
Variant type: single nucleotide variant.
Coding change: c.146A>T on transcript NM_001127208.3 (MANE Select); coding-DNA position 146, A replaced by T.
Protein change: p.Asn49Ile; replaces asparagine 49 with isoleucine.
Molecular consequence: missense variant.
Genome position (GRCh38, 1-based): chr4:105,234,088, A>T. VCF-style: chr4-105234088-A-T. GRCh37 (hg19) VCF-style: chr4-106155245-A-T.
Other names: c.146A>T, p.Asn49Ile (NM_017628.4); short protein forms N49I.
Identifiers: ClinVar variation 3805942 (VCV003805942.1).

ClinVar aggregate classification (germline): Uncertain significance (1 of 4 stars; one submission).

Submission:

Ambry Genetics
Classification: Uncertain significance. Last evaluated: 2025-01-09. Review status: criteria provided, single submitter. Criteria: Ambry Variant Classification Scheme 2023. Collection method: clinical testing. Allele origin: germline.
Comment: The p.N49I variant (also known as c.146A>T), located in coding exon 1 of the TET2 gene, results from an A to T substitution at nucleotide position 146. The asparagine at codon 49 is replaced by isoleucine, an amino acid with dissimilar properties. This amino acid position is conserved. In addition, the in silico prediction for this alteration is inconclusive. Based on the available evidence, the clinical significance of this variant remains unclear.